The following is an entry in ClinVar:

ClinVar aggregate classification (germline): Uncertain significance. Review status: criteria provided, multiple submitters, no conflicts (2 of 4 stars). 2 submissions from 2 submitters: Uncertain significance (2). Last evaluated 2024-11-11.

Allele frequency attached by ClinVar (database versions not stated): gnomAD exomes below 0.00001; gnomAD 0.00001.
gnomAD v4.1: 2 of 1,614,104 alleles (0.00012%); highest among the groups gnomAD compares: Non-Finnish European, 0.00017%; no homozygotes.

Submissions (2):

Labcorp Genetics (formerly Invitae), Labcorp
Classification: Uncertain significance. Last evaluated: 2024-11-11. Review status: criteria provided, single submitter. Criteria: Invitae Variant Classification Sherloc (09022015). Collection method: clinical testing. Allele origin: germline.
Comment: This sequence change replaces glutamine, which is neutral and polar, with histidine, which is basic and polar, at codon 1102 of the WDR62 protein (p.Gln1102His). This variant is present in population databases (no rsID available, gnomAD 0.007%). This missense change has been observed in individual(s) with clinical features of WDR62-related conditions (PMID: 30091983). ClinVar contains an entry for this variant (Variation ID: 1309649). Invitae Evidence Modeling of protein sequence and biophysical properties (such as structural, functional, and spatial information, amino acid conservation, physicochemical variation, residue mobility, and thermodynamic stability) indicates that this missense variant is not expected to disrupt WDR62 protein function with a negative predictive value of 80%. In summary, the available evidence is currently insufficient to determine the role of this variant in disease. Therefore, it has been classified as a Variant of Uncertain Significance.

GeneDx
Classification: Uncertain significance. Last evaluated: 2019-09-05. Review status: criteria provided, single submitter. Criteria: GeneDx Variant Classification Process June 2021. Collection method: clinical testing. Allele origin: germline. Affected: yes.
Comment: Not observed at a significant frequency in large population cohorts (Lek et al., 2016); In silico analysis, which includes protein predictors and evolutionary conservation, supports that this variant does not alter protein structure/function; Has not been previously published as pathogenic or benign to our knowledge; This variant is associated with the following publications: (PMID: 30091983)

Literature cited by the submitters: PubMed 30091983 (cited by Labcorp Genetics (formerly Invitae), Labcorp).

NM_001083961.2(WDR62):c.3306G>T (p.Gln1102His)

Gene: WDR62 (WD repeat domain 62; plus strand). Cytogenetic location: 19q13.12.
Variant type: single nucleotide variant.
Coding change: c.3306G>T on transcript NM_001083961.2 (MANE Select); coding-DNA position 3306, G replaced by T.
Protein change: p.Gln1102His; replaces glutamine 1102 with histidine.
Molecular consequence: missense variant.
Genome position (GRCh38, 1-based): chr19:36,102,822, G>T. VCF-style: chr19-36102822-G-T. GRCh37 (hg19) VCF-style: chr19-36593724-G-T.
Other names: c.3291G>T, p.Gln1097His (NM_173636.5); short protein forms Q1097H, Q1102H.
Identifiers: ClinVar variation 1309649 (VCV001309649.5), dbSNP rs1353495263, ClinGen allele CA405452071.